The following is an entry in ClinVar:

ClinVar aggregate classification (germline): Uncertain significance (1 of 4 stars; one submission).

Conditions:
Leigh syndrome (NULS). Also called: Leigh's necrotizing encephalopathy; Leigh's disease; Leigh Syndrome (mtDNA deletion); Leigh Disease; Subacute necrotizing encephalopathy; Necrotizing encephalopathy infantile subacute of Leigh. Identifiers: Orphanet 506, MedGen C2931891, MONDO:0009723, OMIM 256000.

Submission:

Wong Mito Lab, Molecular and Human Genetics, Baylor College of Medicine
Classification: Uncertain significance for Leigh syndrome. Last evaluated: 2019-10-17. Review status: criteria provided, single submitter. Criteria: Modified ACMG Guidelines (Unpublished). Collection method: clinical testing. Allele origin: germline.
Comment: The NC_012920.1:m.12797T>C (YP_003024036.1:p.Leu154Pro) variant in MTND5 gene is interpretated to be a Uncertain Significance variant based on the modified ACMG guidelines (unpublished). This variant meets the following evidence codes: BP5

NC_012920.1(MT-ND5):m.12797T>C

Gene: MT-ND5 (mitochondrially encoded NADH dehydrogenase 5; plus strand).
Variant type: single nucleotide variant.
Genome position: chrM-12797-T-C.
Identifiers: ClinVar variation 693483 (VCV000693483.1), dbSNP rs1603223906, ClinGen allele CA414814905.